The following is an entry in ClinVar:

ClinVar aggregate classification (germline): Uncertain significance (1 of 4 stars; one submission).

Conditions:
Ataxia-telangiectasia syndrome (AT). Also called: Cerebello-oculocutaneous telangiectasia; Immunodeficiency with ataxia telangiectasia; Ataxia-telangiectasia, complementation group D; AT, COMPLEMENTATION GROUP C; Ataxia-telangiectasia, complementation group E; LOUIS-BAR SYNDROME. Identifiers: Orphanet 100, MedGen C0004135, MONDO:0008840, OMIM 208900.

Submission:

Labcorp Genetics (formerly Invitae), Labcorp
Classification: Uncertain significance for Ataxia-telangiectasia syndrome. Last evaluated: 2023-01-25. Review status: criteria provided, single submitter. Criteria: Invitae Variant Classification Sherloc (09022015). Collection method: clinical testing. Allele origin: germline.
Comment: ClinVar contains an entry for this variant (Variation ID: 453552). This variant, c.501_503del, results in the deletion of 1 amino acid(s) of the ATM protein (p.Leu167del), but otherwise preserves the integrity of the reading frame. This variant is not present in population databases (gnomAD no frequency). This variant has not been reported in the literature in individuals affected with ATM-related conditions. Experimental studies and prediction algorithms are not available or were not evaluated, and the functional significance of this variant is currently unknown. RNA analysis performed to evaluate the impact of this variant on mRNA splicing indicates it does not significantly alter splicing (Invitae). In summary, the available evidence is currently insufficient to determine the role of this variant in disease. Therefore, it has been classified as a Variant of Uncertain Significance.

NM_000051.4(ATM):c.501_503del (p.Leu167del)

Gene: ATM (ATM serine/threonine kinase; plus strand). Cytogenetic location: 11q22.3.
Variant type: Deletion.
Coding change: c.501_503del on transcript NM_000051.4 (MANE Select); coding-DNA positions 501 to 503, 3 bases deleted (GTT; older notation c.501_503delGTT).
Protein change: p.Leu167del; deletes leucine 167.
Molecular consequence: inframe deletion.
Genome position (GRCh38, 1-based): chr11:108,243,957-108,243,959, GTT deleted; deleting any 3 consecutive bases within chr11:108,243,955-108,243,959 gives the same sequence; the c. name uses the placement nearest the transcript's 3' end. VCF-style (leftmost placement, unchanged base first): chr11-108243954-ATTG-A. GRCh37 (hg19) VCF-style: chr11-108114681-ATTG-A.
Other names: c.501_503delGTT (NM_000051.3); c.501_503del, p.Leu167del (NM_001351834.2); short protein forms L167del.
Identifiers: ClinVar variation 453552 (VCV000453552.9), dbSNP rs1555066242, ClinGen allele CA658656168.